The following is an entry in ClinVar:

ClinVar aggregate classification (germline): Pathogenic/Likely pathogenic. Review status: criteria provided, multiple submitters, no conflicts (2 of 4 stars). 2 submissions from 2 submitters: Pathogenic (1); Likely pathogenic (1). Last evaluated 2025-10-27.

Conditions:
Familial thoracic aortic aneurysm and aortic dissection (TAAD). Also called: Thoracic aortic aneurysms and dissections. Identifiers: Orphanet 91387, MedGen C4707243, MONDO:0019625.
Marfan syndrome (MFS). Also called: MARFAN SYNDROME, TYPE I; Marfan syndrome type 1; Marfan's syndrome; Marfan syndrome, classic; FBN1-Related Marfan Syndrome. Identifiers: Orphanet 284963, Orphanet 558, MedGen C0024796, MONDO:0007947, OMIM 154700.

Submissions (2):

Labcorp Genetics (formerly Invitae), Labcorp
Classification: Pathogenic for Marfan syndrome; Familial thoracic aortic aneurysm and aortic dissection. Last evaluated: 2025-10-27. Review status: criteria provided, single submitter. Criteria: Invitae Variant Classification Sherloc (09022015). Collection method: clinical testing. Allele origin: germline.
Comment: This sequence change creates a premature translational stop signal (p.Gly2156Valfs*4) in the FBN1 gene. It is expected to result in an absent or disrupted protein product. Loss-of-function variants in FBN1 are known to be pathogenic (PMID: 17657824, 19293843). This variant is not present in population databases (gnomAD no frequency). This variant has not been reported in the literature in individuals affected with FBN1-related conditions. For these reasons, this variant has been classified as Pathogenic.

ARUP Laboratories, Molecular Genetics and Genomics, ARUP Laboratories
Classification: Likely pathogenic. Last evaluated: 2025-05-09. Review status: criteria provided, single submitter. Criteria: ARUP Molecular Germline Variant Investigation Process 2024. Collection method: clinical testing. Allele origin: germline.
Comment: The FBN1 c.6467del; p.Gly2156ValfsTer4 variant, to our knowledge, is not reported in the medical literature or gene specific databases. This variant is also absent from the Genome Aggregation Database (v2.1.1), indicating it is not a common polymorphism. This variant causes a frameshift by deleting a single nucleotide, so it is predicted to result in a truncated protein or mRNA subject to nonsense-mediated decay. Additionally, several downstream truncating variants have been described in individuals with Marfan syndrome and are considered pathogenic (Growth 2017). Based on available information, this variant is considered to be likely pathogenic. References: Groth KA et al. Evaluating the quality of Marfan genotype-phenotype correlations in existing FBN1 databases. Genet Med. 2017 Jul;19(7):772-777. PMID: 27906200.

Literature cited by the submitters: PubMed 17657824 (cited by Labcorp Genetics (formerly Invitae), Labcorp); PubMed 19293843 (cited by Labcorp Genetics (formerly Invitae), Labcorp).

NM_000138.5(FBN1):c.6467del (p.Gly2156fs)

Gene: FBN1 (fibrillin 1; minus strand). Cytogenetic location: 15q21.1.
Variant type: Deletion.
Coding change: c.6467del on transcript NM_000138.5 (MANE Select); coding-DNA position 6467, one base deleted (G; older notation c.6467delG).
Protein change: p.Gly2156fs; shifts the reading frame from glycine 2156.
Molecular consequence: frameshift variant.
Genome position (GRCh38, 1-based): chr15:48,436,990, C deleted on the plus strand (G on the coding strand, the reverse complement: FBN1 is on the minus strand); the first of 2 consecutive C bases (chr15:48,436,990-48,436,991); deleting either gives the same sequence. VCF-style (leftmost placement, unchanged base first): chr15-48436989-AC-A. GRCh37 (hg19) VCF-style: chr15-48729186-AC-A.
Other names: c.6467del, p.Gly2156fs (NM_001406716.1); short protein forms G2156fs.
Identifiers: ClinVar variation 4685808 (VCV004685808.2).
Genomic context (GRCh38, chr15:48,436,989, plus strand): 5'-AAAGTTCCTATGGAAGAAAACTTATTACTCACCTACACATTCATTCCCTGCTAGAATATA[AC>A]CAAAGGGACACTCGCAGCGATAGGAACCATCTGTATTGATGCACTGTCCATGTTTACAGA-3'